The following is an entry in ClinVar:

ClinVar aggregate classification (germline): Benign/Likely benign. Review status: criteria provided, multiple submitters, no conflicts (2 of 4 stars). 3 submissions from 3 submitters: Benign (1); Likely benign (1). 1 of the submissions does not count toward it. Last evaluated 2025-10-17.

Conditions:
PACS2-related disorder. Also called: PACS2-related condition.

Allele frequency attached by ClinVar (database versions not stated): 1000 Genomes Project 30x 0.00016; 1000 Genomes Project 0.00020; ESP Exome Variant Server 0.00038.
gnomAD v4.1: 115 of 1,602,012 alleles (0.0072%); highest among the groups gnomAD compares: African/African-American, 0.14%; no homozygotes.

Submissions (3):

Labcorp Genetics (formerly Invitae), Labcorp
Classification: Benign. Last evaluated: 2025-10-17. Review status: criteria provided, single submitter. Criteria: Invitae Variant Classification Sherloc (09022015). Collection method: clinical testing. Allele origin: germline.

CeGaT Center for Human Genetics Tuebingen
Classification: Likely benign. Last evaluated: 2023-12-01. Review status: criteria provided, single submitter. Criteria: CeGaT Center For Human Genetics Tuebingen Variant Classification Criteria Version 2. Collection method: clinical testing. Allele origin: germline. Affected: yes. Observed: 1 variant allele.
Comment: PACS2: BP4, BP7, BS1

PreventionGenetics, part of Exact Sciences
Classification: Likely benign for PACS2-related condition. Last evaluated: 2019-04-01. Review status: no assertion criteria provided. Collection method: clinical testing. Allele origin: germline. Not counted in ClinVar's aggregate classification.
Comment: This variant is classified as likely benign based on ACMG/AMP sequence variant interpretation guidelines (Richards et al. 2015 PMID: 25741868, with internal and published modifications).

NM_001100913.3(PACS2):c.798C>T (p.Asp266=)

Gene: PACS2 (phosphofurin acidic cluster sorting protein 2; plus strand). Cytogenetic location: 14q32.33.
Variant type: single nucleotide variant.
Coding change: c.798C>T on transcript NM_001100913.3 (MANE Select); coding-DNA position 798, C replaced by T.
Protein change: p.Asp266=; no amino-acid change (aspartic acid 266 retained).
Molecular consequence: synonymous variant.
Genome position (GRCh38, 1-based): chr14:105,369,897, C>T. VCF-style: chr14-105369897-C-T. GRCh37 (hg19) VCF-style: chr14-105836234-C-T.
Other names: c.573C>T, p.Asp191= (NM_001243127.3); c.798C>T, p.Asp266= (NM_015197.4); c.798C>T (NM_001100913.2).
Identifiers: ClinVar variation 1537376 (VCV001537376.31), dbSNP rs148337393, ClinGen allele CA7388562.